The following is an entry in ClinVar:

NM_001966.4(EHHADH):c.919A>G (p.Thr307Ala)

Gene: EHHADH (enoyl-CoA hydratase and 3-hydroxyacyl CoA dehydrogenase; minus strand). Cytogenetic location: 3q27.2.
Variant type: single nucleotide variant.
Coding change: c.919A>G on transcript NM_001966.4 (MANE Select); coding-DNA position 919, A replaced by G.
Protein change: p.Thr307Ala; replaces threonine 307 with alanine.
Molecular consequence: missense variant.
Genome position (GRCh38, 1-based): chr3:185,193,479, T>C on the plus strand (A>G on the coding strand, the complement: EHHADH is on the minus strand). VCF-style: chr3-185193479-T-C. GRCh37 (hg19) VCF-style: chr3-184911267-T-C.
Other names: p.Thr307Ala; c.631A>G, p.Thr211Ala (NM_001166415.2); c.919A>G (NM_001966.3); short protein forms T307A, T211A.
Identifiers: ClinVar variation 596030 (VCV000596030.10), dbSNP rs185950214, ClinGen allele CA2739076.
Genomic context (GRCh38, chr3:185,193,479, plus strand): 5'-CTACAGCAATCACAGGAATCCTGGCCCTTGCAAAAGAAATGACAATGCCTCGGCCCATTG[T>C]TCCCAAGCCTGCAGATAAAAATCAAAGGAGAAAAAGAATGATTCAGTGGTATTGGGAACT-3'
Protein context (NP_001957.2, residues 297-317): VSSVGVVGLG[Thr307Ala]MGRGIVISFA

ClinVar aggregate classification (germline): Uncertain significance. Review status: criteria provided, multiple submitters, no conflicts (2 of 4 stars). 3 submissions from 3 submitters: Uncertain significance (2). 1 of the submissions does not count toward it. Last evaluated 2021-11-19.

Conditions:
EHHADH-related disorder. Also called: EHHADH-related condition.

Allele frequency attached by ClinVar (database versions not stated): gnomAD 0.00004; gnomAD exomes 0.00013 and 0.00030; TOPMed 0.00018; ExAC 0.00019; 1000 Genomes Project 0.00020; 1000 Genomes Project 30x 0.00031.
gnomAD v4.1: 85 of 1,613,166 alleles (0.0053%); highest among the groups gnomAD compares: Admixed American, 0.14%; no homozygotes.

Submissions (3):

Mayo Clinic Laboratories, Mayo Clinic
Classification: Uncertain significance. Last evaluated: 2021-11-19. Review status: criteria provided, single submitter. Criteria: ACMG Guidelines, 2015. Collection method: clinical testing. Allele origin: germline.

Eurofins Ntd Llc (ga)
Classification: Uncertain significance. Last evaluated: 2018-02-06. Review status: criteria provided, single submitter. Criteria: EGL Classification Definitions 2015. Collection method: clinical testing. Allele origin: germline. Observed: 3 variant alleles, 3 heterozygotes.

PreventionGenetics, part of Exact Sciences
Classification: Likely benign for EHHADH-related condition. Last evaluated: 2022-06-03. Review status: no assertion criteria provided. Collection method: clinical testing. Allele origin: germline. Not counted in ClinVar's aggregate classification.
Comment: This variant is classified as likely benign based on ACMG/AMP sequence variant interpretation guidelines (Richards et al. 2015 PMID: 25741868, with internal and published modifications).